The following is an entry in ClinVar:

NM_198241.3(EIF4G1):c.3647G>A (p.Arg1216His)

Gene: EIF4G1 (eukaryotic translation initiation factor 4 gamma 1; plus strand). Cytogenetic location: 3q27.1.
Variant type: single nucleotide variant.
Coding change: c.3647G>A on transcript NM_198241.3 (MANE Select); coding-DNA position 3647, G replaced by A.
Protein change: p.Arg1216His; replaces arginine 1216 with histidine.
Molecular consequence: missense variant.
Genome position (GRCh38, 1-based): chr3:184,327,434, G>A. VCF-style: chr3-184327434-G-A. GRCh37 (hg19) VCF-style: chr3-184045222-G-A.
Other names: c.3668G>A, p.Arg1223His (NM_001194946.2, NM_001194947.2); c.3527G>A, p.Arg1176His (NM_001291157.2); c.3062G>A, p.Arg1021His (NM_004953.5); c.3650G>A, p.Arg1217His (NM_182917.4); c.3155G>A, p.Arg1052His (NM_198242.3); c.3386G>A, p.Arg1129His (NM_198244.3); short protein forms R1021H, R1052H, R1129H, R1176H, R1216H, R1217H, R1223H.
Identifiers: ClinVar variation 3038604 (VCV003038604.2), dbSNP rs34086109, ClinGen allele CA2732862.
Genomic context (GRCh38, chr3:184,327,434, plus strand): 5'-AACGGCCCTCCCAGCCTGAGGGGCTGCGCAAGGCAGCTAGCCTCACGGAGGATCGGGACC[G>A]TGGGCGGGATGCCGGTGAGAGTCTGGGAGAGGAATGGAGGGAAAGGCATTGGCTGCCTTG-3'
Protein context (NP_937884.2, residues 1206-1226): KAASLTEDRD[Arg1216His]GRDAVKREAA

ClinVar aggregate classification (germline): Benign (0 of 4 stars; one submission).

Conditions:
EIF4G1-related disorder. Also called: EIF4G1-related condition.

Allele frequency attached by ClinVar (database versions not stated): gnomAD exomes 0.00034; ExAC 0.00118; 1000 Genomes Project 0.00359; ESP Exome Variant Server 0.00385; gnomAD 0.00390; 1000 Genomes Project 30x 0.00406; TOPMed 0.00414.
gnomAD v4.1: 1,106 of 1,613,540 alleles (0.069%); highest among the groups gnomAD compares: African/African-American, 1.3%; 6 homozygotes.

Submission:

PreventionGenetics, part of Exact Sciences
Classification: Benign for EIF4G1-related condition. Last evaluated: 2019-05-24. Review status: no assertion criteria provided. Collection method: clinical testing. Allele origin: germline.
Comment: This variant is classified as benign based on ACMG/AMP sequence variant interpretation guidelines (Richards et al. 2015 PMID: 25741868, with internal and published modifications).